The following is an entry in ClinVar:

ClinVar aggregate classification (germline): Benign/Likely benign. Review status: criteria provided, multiple submitters, no conflicts (2 of 4 stars). 6 submissions from 6 submitters: Benign (2); Likely benign (4). Last evaluated 2026-01-28.

Conditions:
Hereditary cancer-predisposing syndrome. Also called: Tumor predisposition; Hereditary neoplastic syndrome; Neoplastic Syndromes, Hereditary; Hereditary Cancer Syndrome. Identifiers: Orphanet 140162, MedGen C0027672, MeSH D009386, MONDO:0015356.
Familial melanoma. Also called: Hereditary melanoma; Hereditary cutaneous melanoma. Identifiers: Orphanet 618, MedGen C1512419, MONDO:0018961.

Allele frequency attached by ClinVar (database versions not stated): gnomAD 0.00001 and 0.00002; TOPMed 0.00001; gnomAD exomes 0.00005 and 0.00010; ExAC 0.00008.
gnomAD v4.1: 85 of 1,611,710 alleles (0.0053%); highest among the groups gnomAD compares: South Asian, 0.044%; 1 homozygote.

Submissions (6):

Labcorp Genetics (formerly Invitae), Labcorp
Classification: Likely benign for Familial melanoma. Last evaluated: 2026-01-28. Review status: criteria provided, single submitter. Criteria: Invitae Variant Classification Sherloc (09022015). Collection method: clinical testing. Allele origin: germline.

Center for Genomic Medicine, Rigshospitalet, Copenhagen University Hospital
Classification: Likely benign. Last evaluated: 2025-03-04. Review status: criteria provided, single submitter. Criteria: ACMG Guidelines, 2015. Collection method: clinical testing. Allele origin: germline.

Blueprint Genetics
Classification: Likely benign. Last evaluated: 2024-11-13. Review status: criteria provided, single submitter. Criteria: ACMG Guidelines, 2015. Collection method: clinical testing. Allele origin: germline.

Ambry Genetics
Classification: Likely benign for Hereditary cancer-predisposing syndrome. Last evaluated: 2021-09-17. Review status: criteria provided, single submitter. Criteria: Ambry Variant Classification Scheme 2023. Collection method: clinical testing. Allele origin: germline.

Sema4
Classification: Benign for Hereditary cancer-predisposing syndrome. Last evaluated: 2021-02-17. Review status: criteria provided, single submitter. Criteria: Sema4 Curation Guidelines. Collection method: curation. Allele origin: germline.

Women's Health and Genetics/Laboratory Corporation of America, LabCorp
Classification: Benign. Last evaluated: 2017-05-08. Review status: criteria provided, single submitter. Criteria: LabCorp Variant Classification Summary - May 2015. Collection method: clinical testing. Allele origin: germline.
Comment: Variant summary: The CDK4 c.523-4T>A variant involves the alteration of a non-conserved intronic nucleotide and 5/5 splice prediction tools predict no significant impact on normal splicing. However, these predictions have yet to be confirmed by functional studies. This variant was found in 10/121352 control chromosomes, predominantly observed in the South Asian subpopulation at a frequency of 0.000545 (9/16512). This frequency is about 27 times the estimated maximal expected allele frequency of a pathogenic CDK4 variant (0.00002), suggesting this is likely a benign polymorphism found primarily in the populations of South Asian origin. In addition, a clinical diagnostic laboratory classified this variant as likely benign. The variant of interest has not, to our knowledge, been reported in affected individuals via publications and/or reputable databases/clinical diagnostic laboratories; nor evaluated for functional impact by in vivo/vitro studies. Taken together, this variant is classified as benign.

NM_000075.4(CDK4):c.523-4T>A

Gene: CDK4 (cyclin dependent kinase 4; minus strand). Cytogenetic location: 12q14.1.
Variant type: single nucleotide variant.
Coding change: c.523-4T>A on transcript NM_000075.4 (MANE Select); 4 bases into the intron before coding-DNA position 523, T replaced by A.
Molecular consequence: intron variant.
Genome position (GRCh38, 1-based): chr12:57,750,769, A>T on the plus strand (T>A on the coding strand, the complement: CDK4 is on the minus strand). VCF-style: chr12-57750769-A-T. GRCh37 (hg19) VCF-style: chr12-58144552-A-T.
Other names: c.523-4T>A (LRG_490t1).
Identifiers: ClinVar variation 135824 (VCV000135824.20), dbSNP rs587780667, ClinGen allele CA332395.